The following is an entry in ClinVar:

ClinVar aggregate classification (germline): Pathogenic/Likely pathogenic. Review status: criteria provided, multiple submitters, no conflicts (2 of 4 stars). 2 submissions from 2 submitters: Pathogenic (1); Likely pathogenic (1). Last evaluated 2025-07-02.

Conditions:
Hereditary cancer-predisposing syndrome. Also called: Neoplastic Syndromes, Hereditary; Tumor predisposition; Hereditary Cancer Syndrome; Hereditary neoplastic syndrome. Identifiers: Orphanet 140162, MedGen C0027672, MeSH D009386, MONDO:0015356.

Submissions (2):

Ambry Genetics
Classification: Pathogenic for Hereditary cancer-predisposing syndrome. Last evaluated: 2025-07-02. Review status: criteria provided, single submitter. Criteria: Ambry Variant Classification Scheme 2023. Collection method: clinical testing. Allele origin: germline.
Comment: The c.1249delC pathogenic mutation, located in coding exon 10 of the CHEK2 gene, results from a deletion of one nucleotide at nucleotide position 1249, causing a translational frameshift with a predicted alternate stop codon (p.L417Ffs*20). This variant is considered to be rare based on population cohorts in the Genome Aggregation Database (gnomAD). This alteration is expected to result in loss of function by premature protein truncation or nonsense-mediated mRNA decay. As such, this alteration is interpreted as a disease-causing mutation.

GeneDx
Classification: Likely pathogenic. Last evaluated: 2024-09-09. Review status: criteria provided, single submitter. Criteria: GeneDx Variant Classification Process June 2021. Collection method: clinical testing. Allele origin: germline. Affected: yes.
Comment: Frameshift variant predicted to result in protein truncation or nonsense mediated decay in a gene for which loss of function is a known mechanism of disease; Not observed at significant frequency in large population cohorts (gnomAD); Has not been previously published as pathogenic or benign to our knowledge

NM_007194.4(CHEK2):c.1249del (p.Leu417fs)

Gene: CHEK2 (checkpoint kinase 2; minus strand). Cytogenetic location: 22q12.1.
Variant type: Deletion.
Coding change: c.1249del on transcript NM_007194.4 (MANE Select); coding-DNA position 1249, one base deleted (C; older notation c.1249delC).
Protein change: p.Leu417fs; shifts the reading frame from leucine 417.
Molecular consequence: frameshift variant.
Genome position (GRCh38, 1-based): chr22:28,695,720, G deleted on the plus strand (C on the coding strand, the reverse complement: CHEK2 is on the minus strand). VCF-style (leftmost placement, unchanged base first): chr22-28695719-AG-A. GRCh37 (hg19) VCF-style: chr22-29091707-AG-A.
Other names: c.1249delC (NM_007194.3); c.1378delC, p.Leu460Phefs (NM_001005735.3); c.586delC, p.Leu196Phefs (NM_001257387.3); c.1048delC, p.Leu350Phefs (NM_001349956.3); c.1162delC, p.Leu388Phefs (NM_145862.3); short protein forms L196fs, L350fs, L388fs, L417fs, L460fs.
Identifiers: ClinVar variation 3767665 (VCV003767665.2).